The following is an entry in ClinVar:

ClinVar aggregate classification (germline): Conflicting classifications of pathogenicity. Review status: criteria provided, conflicting classifications (1 of 4 stars). 3 submissions from 3 submitters: Uncertain significance (2); Likely benign (1). Last evaluated 2023-04-25.

Conditions:
Cardiovascular phenotype. Identifiers: MedGen CN230736.
Long QT syndrome (LQTS). Identifiers: MedGen C0023976, MeSH D008133, MONDO:0002442. Disease mechanism: loss of function. Inheritance: Various modes of inheritance.

Allele frequency attached by ClinVar (database versions not stated): gnomAD exomes below 0.00001 and 0.00001; TOPMed below 0.00001; gnomAD 0.00001.
gnomAD v4.1: 16 of 1,613,686 alleles (0.00099%); highest among the groups gnomAD compares: Non-Finnish European, 0.0014%; no homozygotes.

Submissions (3):

Labcorp Genetics (formerly Invitae), Labcorp
Classification: Uncertain significance for Long QT syndrome. Last evaluated: 2023-04-25. Review status: criteria provided, single submitter. Criteria: Invitae Variant Classification Sherloc (09022015). Collection method: clinical testing. Allele origin: germline.
Comment: In summary, the available evidence is currently insufficient to determine the role of this variant in disease. Therefore, it has been classified as a Variant of Uncertain Significance. Advanced modeling of protein sequence and biophysical properties (such as structural, functional, and spatial information, amino acid conservation, physicochemical variation, residue mobility, and thermodynamic stability) has been performed at Invitae for this missense variant, however the output from this modeling did not meet the statistical confidence thresholds required to predict the impact of this variant on ANK2 protein function. ClinVar contains an entry for this variant (Variation ID: 639490). This variant has not been reported in the literature in individuals affected with ANK2-related conditions. This variant is present in population databases (no rsID available, gnomAD 0.0009%). This sequence change replaces asparagine, which is neutral and polar, with histidine, which is basic and polar, at codon 1563 of the ANK2 protein (p.Asn1563His).

Ambry Genetics
Classification: Likely benign for Cardiovascular phenotype. Last evaluated: 2021-06-18. Review status: criteria provided, single submitter. Criteria: Ambry Variant Classification Scheme 2023. Collection method: clinical testing. Allele origin: germline.

GeneDx
Classification: Uncertain significance. Last evaluated: 2021-04-16. Review status: criteria provided, single submitter. Criteria: GeneDx Variant Classification Process June 2021. Collection method: clinical testing. Allele origin: germline. Affected: yes.
Comment: Not observed at a significant frequency in large population cohorts (Lek et al., 2016); In silico analysis supports that this missense variant does not alter protein structure/function; Has not been previously published as pathogenic or benign to our knowledge

NM_001148.6(ANK2):c.4687A>C (p.Asn1563His)

Gene: ANK2 (ankyrin 2; plus strand). Cytogenetic location: 4q26.
Variant type: single nucleotide variant.
Coding change: c.4687A>C on transcript NM_001148.6 (MANE Select); coding-DNA position 4687, A replaced by C.
Protein change: p.Asn1563His; replaces asparagine 1563 with histidine.
Molecular consequence: missense variant. On other transcripts: intron variant (68).
Genome position (GRCh38, 1-based): chr4:113,353,305, A>C. VCF-style: chr4-113353305-A-C. GRCh37 (hg19) VCF-style: chr4-114274461-A-C.
Other names: c.4453A>C, p.Asn1485His (NM_001386142.1); c.1087A>C, p.Asn363His (NM_001386166.1); c.4828A>C, p.Asn1610His (NM_001386174.1); c.4804A>C, p.Asn1602His (NM_001386175.1); c.4411+3056A>C (NM_001386186.2, NM_001386148.2); c.4213+3056A>C (NM_001354269.3); c.4291+3056A>C (NM_001386187.2); c.4252+3056A>C (NM_001386147.1); and 35 more; short protein forms N1563H, N1485H, N1602H, N1610H, N363H.
Identifiers: ClinVar variation 639490 (VCV000639490.9), dbSNP rs1476737595, ClinGen allele CA357915350.
Genomic context (GRCh38, chr4:113,353,305, plus strand): 5'-GAAGAGCCAGGAGAGCCTTTTGAAATCGTTGAAAGAGTTAAAGAGGACTTAGAGAAAGTG[A>C]ATGAAATCCTGAGAAGTGGAACCTGCACAAGAGATGAAAGCAGTGTGCAGAGCTCTCGGT-3'
Protein context (NP_001139.3, residues 1553-1573): ERVKEDLEKV[Asn1563His]EILRSGTCTR